The following is an entry in ClinVar:

ClinVar aggregate classification (germline): Uncertain significance (1 of 4 stars; one submission).

Submission:

GeneDx
Classification: Uncertain significance. Last evaluated: 2024-02-09. Review status: criteria provided, single submitter. Criteria: GeneDx Variant Classification Process June 2021. Collection method: clinical testing. Allele origin: germline. Affected: yes.
Comment: Not observed at significant frequency in large population cohorts (gnomAD); In silico analysis supports that this missense variant has a deleterious effect on protein structure/function; Has not been previously published as pathogenic or benign to our knowledge

NM_000113.3(TOR1A):c.191A>G (p.Asp64Gly)

Gene: TOR1A (torsin family 1 member A; minus strand). Cytogenetic location: 9q34.11.
Variant type: single nucleotide variant.
Coding change: c.191A>G on transcript NM_000113.3 (MANE Select); coding-DNA position 191, A replaced by G.
Protein change: p.Asp64Gly; replaces aspartic acid 64 with glycine.
Molecular consequence: missense variant.
Genome position (GRCh38, 1-based): chr9:129,822,834, T>C on the plus strand (A>G on the coding strand, the complement: TOR1A is on the minus strand). VCF-style: chr9-129822834-T-C. GRCh37 (hg19) VCF-style: chr9-132585113-T-C.
Other names: short protein forms D64G.
Identifiers: ClinVar variation 3340927 (VCV003340927.1).
Genomic context (GRCh38, chr9:129,822,834, plus strand): 5'-AACACGGCATTTAAGATGATTTTCTTTGCAAGATGCTGTCCAAAGAGGTTGTCGTCCAGA[T>C]CCTTCTGCAGTGCTGGGAAAGACAAAGCCAATCAGGAGTGGGGAAGAAACAGCGGCAAAA-3'
Protein context (NP_000104.1, residues 54-74): RSLSREALQK[Asp64Gly]LDDNLFGQHL